The following is an entry in ClinVar:

ClinVar aggregate classification (germline): Uncertain significance (1 of 4 stars; one submission).

Submission:

GeneDx
Classification: Uncertain significance. Last evaluated: 2023-02-10. Review status: criteria provided, single submitter. Criteria: GeneDx Variant Classification Process June 2021. Collection method: clinical testing. Allele origin: germline. Affected: yes.
Comment: Not observed at significant frequency in large population cohorts (gnomAD); Canonical splice site variant in a gene or region of a gene for which loss of function is not a well-established mechanism of disease; Has not been previously published as pathogenic or benign to our knowledge

NM_004736.4(XPR1):c.1134+1G>C

Gene: XPR1 (xenotropic and polytropic retrovirus receptor 1; plus strand). Cytogenetic location: 1q25.3.
Variant type: single nucleotide variant.
Coding change: c.1134+1G>C on transcript NM_004736.4 (MANE Select); the canonical splice donor site of the intron after coding-DNA position 1134, G replaced by C.
Molecular consequence: splice donor variant.
Genome position (GRCh38, 1-based): chr1:180,825,345, G>C. VCF-style: chr1-180825345-G-C. GRCh37 (hg19) VCF-style: chr1-180794481-G-C.
Other names: c.1134+1G>C (NM_001135669.2, NM_001328662.2).
Identifiers: ClinVar variation 2575600 (VCV002575600.1), dbSNP rs2525889442, ClinGen allele CA343840299.